The following is an entry in ClinVar:

NM_000384.3(APOB):c.9568T>G (p.Leu3190Val)

Gene: APOB (apolipoprotein B; minus strand). Cytogenetic location: 2p24.1.
Variant type: single nucleotide variant.
Coding change: c.9568T>G on transcript NM_000384.3 (MANE Select); coding-DNA position 9568, T replaced by G.
Protein change: p.Leu3190Val; replaces leucine 3190 with valine.
Molecular consequence: missense variant.
Genome position (GRCh38, 1-based): chr2:21,007,300, A>C on the plus strand (T>G on the coding strand, the complement: APOB is on the minus strand). VCF-style: chr2-21007300-A-C. GRCh37 (hg19) VCF-style: chr2-21230172-A-C.
Other names: short protein forms L3190V.
Identifiers: ClinVar variation 1767401 (VCV001767401.3), dbSNP rs2465362671, ClinGen allele CA345989478.

ClinVar aggregate classification (germline): Uncertain significance. Review status: criteria provided, multiple submitters, no conflicts (2 of 4 stars). 2 submissions from 2 submitters: Uncertain significance (2). Last evaluated 2025-05-29.

Conditions:
Cardiovascular phenotype. Identifiers: MedGen CN230736.
Familial hypercholesterolemia. Also called: Familial hypercholesterolaemia. Identifiers: MedGen C0020445, MONDO:0005439.

Allele frequency attached by ClinVar (database versions not stated): gnomAD exomes below 0.00001.
gnomAD v4.1: 1 of 1,613,908 alleles (0.000062%); highest among the groups gnomAD compares: Non-Finnish European, 0.000085%; no homozygotes.

Submissions (2):

Cambridge Genomics Laboratory, East Genomic Laboratory Hub, NHS Genomic Medicine Service
Classification: Uncertain significance for Familial hypercholesterolaemia. Last evaluated: 2025-05-29. Review status: criteria provided, single submitter. Criteria: ACGS Best Practice Guidelines for Variant Classification in Rare Disease 2020. Collection method: clinical testing. Allele origin: germline. Affected: yes.
Comment: PM2,BP4

Ambry Genetics
Classification: Uncertain significance for Cardiovascular phenotype. Last evaluated: 2023-12-29. Review status: criteria provided, single submitter. Criteria: Ambry Variant Classification Scheme 2023. Collection method: clinical testing. Allele origin: germline.
Comment: The p.L3190V variant (also known as c.9568T>G), located in coding exon 26 of the APOB gene, results from a T to G substitution at nucleotide position 9568. The leucine at codon 3190 is replaced by valine, an amino acid with highly similar properties. This amino acid position is conserved. In addition, this alteration is predicted to be tolerated by in silico analysis. Since supporting evidence is limited at this time, the clinical significance of this alteration remains unclear.